The following is an entry in ClinVar:

Conditions:
Long QT syndrome 5 (LQT5). Identifiers: Orphanet 101016, Orphanet 768, MedGen C1867904, MONDO:0013372, OMIM 613695.

Submission:

Roden Lab, Vanderbilt University Medical Center
No classification provided (evidence only). Condition: Long QT syndrome 5. Review status: no classification provided. Collection method: in vitro. Allele origin: not applicable. Functional consequence: Effect on ion channel function.
ClinVar note: "not provided" was previously submitted as the classification for the variant. However, the classification appeared to be based only on an observation of functional data so it was converted to no classification on 2025-07-30.

NM_000219.6(KCNE1):c.252C>G (p.Ser84=)

Gene: KCNE1 (potassium voltage-gated channel subfamily E regulatory subunit 1; minus strand). Cytogenetic location: 21q22.12.
Variant type: single nucleotide variant.
Coding change: c.252C>G on transcript NM_000219.6 (MANE Select); coding-DNA position 252, C replaced by G.
Protein change: p.Ser84=; no amino-acid change (serine 84 retained).
Molecular consequence: synonymous variant.
Genome position (GRCh38, 1-based): chr21:34,449,383, G>C on the plus strand (C>G on the coding strand, the complement: KCNE1 is on the minus strand). VCF-style: chr21-34449383-G-C. GRCh37 (hg19) VCF-style: chr21-35821681-G-C.
Other names: c.252C>G, p.Ser84= (NM_001127668.4, NM_001127669.4, NM_001127670.4 and 4 more transcripts).
Identifiers: ClinVar variation 3374444 (VCV003374444.2).